The following is an entry in ClinVar:

ClinVar aggregate classification (germline): Uncertain significance. Review status: criteria provided, multiple submitters, no conflicts (2 of 4 stars). 2 submissions from 2 submitters: Uncertain significance (2). Last evaluated 2023-08-16.

Conditions:
FBN1-related disorder. Also called: FBN1-related disorders.
Marfan syndrome (MFS). Also called: MARFAN SYNDROME, TYPE I; Marfan syndrome type 1; Marfan's syndrome; Marfan syndrome, classic; FBN1-Related Marfan Syndrome. Identifiers: Orphanet 284963, Orphanet 558, MedGen C0024796, MONDO:0007947, OMIM 154700.

Allele frequency attached by ClinVar (database versions not stated): gnomAD exomes 0.00001.
gnomAD v4.1: 3 of 1,614,152 alleles (0.00019%); highest among the groups gnomAD compares: Admixed American, 0.0033%; no homozygotes.

Submissions (2):

PreventionGenetics, part of Exact Sciences
Classification: Uncertain significance for FBN1-related condition. Last evaluated: 2023-08-16. Review status: criteria provided, single submitter. Criteria: ACMG Guidelines, 2015. Collection method: clinical testing. Allele origin: germline.
Comment: The FBN1 c.2165G>A variant is predicted to result in the amino acid substitution p.Ser722Asn. To our knowledge, this variant has not been reported in the literature. This variant is reported in 0.0029% of alleles in individuals of Latino descent in gnomAD. At this time, the clinical significance of this variant is uncertain due to the absence of conclusive functional and genetic evidence.

All of Us Research Program, National Institutes of Health
Classification: Uncertain significance for Marfan syndrome. Last evaluated: 2023-06-26. Review status: criteria provided, single submitter. Criteria: ACMG Guidelines, 2015. Collection method: clinical testing. Allele origin: germline. Inheritance: Autosomal dominant inheritance. Observed: 1 variant allele, 1 heterozygote.
Comment: This missense variant replaces serine with asparagine at codon 722 of the FBN1 protein. Computational prediction suggests that this variant may not impact protein structure and function (internally defined REVEL score threshold <= 0.5, PMID: 27666373). To our knowledge, functional studies have not been reported for this variant. This variant has not been reported in individuals affected with FBN1-related disorders in the literature. This variant has been identified in 1/251490 chromosomes in the general population by the Genome Aggregation Database (gnomAD). The available evidence is insufficient to determine the role of this variant in disease conclusively. Therefore, this variant is classified as a Variant of Uncertain Significance.

This study involves interpretation of variants in research participants for the purpose of population health screening. Participant phenotype was not available at the time of variant classification. Additional details can be found in publication PMID: 35346344, PMCID: PMC8962531

NM_000138.5(FBN1):c.2165G>A (p.Ser722Asn)

Gene: FBN1 (fibrillin 1; minus strand). Cytogenetic location: 15q21.1.
Variant type: single nucleotide variant.
Coding change: c.2165G>A on transcript NM_000138.5 (MANE Select); coding-DNA position 2165, G replaced by A.
Protein change: p.Ser722Asn; replaces serine 722 with asparagine.
Molecular consequence: missense variant.
Genome position (GRCh38, 1-based): chr15:48,498,987, C>T on the plus strand (G>A on the coding strand, the complement: FBN1 is on the minus strand). VCF-style: chr15-48498987-C-T. GRCh37 (hg19) VCF-style: chr15-48791184-C-T.
Other names: c.2165G>A, p.Ser722Asn (NM_001406716.1); short protein forms S722N.
Identifiers: ClinVar variation 2631015 (VCV002631015.2), dbSNP rs1197990559, ClinGen allele CA392336133.